The following is an entry in ClinVar:

NM_005458.8(GABBR2):c.860C>T (p.Pro287Leu)

Gene: GABBR2 (gamma-aminobutyric acid type B receptor subunit 2; minus strand). Cytogenetic location: 9q22.33.
Variant type: single nucleotide variant.
Coding change: c.860C>T on transcript NM_005458.8 (MANE Select); coding-DNA position 860, C replaced by T.
Protein change: p.Pro287Leu; replaces proline 287 with leucine.
Molecular consequence: missense variant.
Genome position (GRCh38, 1-based): chr9:98,473,285, G>A on the plus strand (C>T on the coding strand, the complement: GABBR2 is on the minus strand). VCF-style: chr9-98473285-G-A. GRCh37 (hg19) VCF-style: chr9-101235567-G-A.
Other names: c.860C>T (NM_005458.7); short protein forms P287L.
Identifiers: ClinVar variation 1360973 (VCV001360973.8), dbSNP rs2131631023, ClinGen allele CA374351530.
Genomic context (GRCh38, chr9:98,473,285, plus strand): 5'-AGATTCTTCCGGAGGCAGCGGGATGAGTTGGCTTCCGTGTGCACCTGCTCCCACCAAGAA[G>A]GCTCGTACCAGCCCGGAATGATCCACTGATATTTACTACCATACATGTTCTCCTCGTATG-3'
Protein context (NP_005449.5, residues 277-297): YQWIIPGWYE[Pro287Leu]SWWEQVHTEA

ClinVar aggregate classification (germline): Uncertain significance. Review status: criteria provided, multiple submitters, no conflicts (2 of 4 stars). 2 submissions from 2 submitters: Uncertain significance (2). Last evaluated 2023-03-20.

Conditions:
Epileptic encephalopathy. Identifiers: MedGen C0543888, HP:0200134.

Allele frequency attached by ClinVar (database versions not stated): gnomAD exomes below 0.00001.
gnomAD v4.1: 1 of 1,613,758 alleles (0.000062%); highest among the groups gnomAD compares: Non-Finnish European, 0.000085%; no homozygotes.

Submissions (2):

GeneDx
Classification: Uncertain significance. Last evaluated: 2023-03-20. Review status: criteria provided, single submitter. Criteria: GeneDx Variant Classification Process June 2021. Collection method: clinical testing. Allele origin: germline. Affected: yes.
Comment: Not observed at significant frequency in large population cohorts (gnomAD); In silico analysis supports that this missense variant has a deleterious effect on protein structure/function; Has not been previously published as pathogenic or benign to our knowledge

Labcorp Genetics (formerly Invitae), Labcorp
Classification: Uncertain significance for Epileptic encephalopathy. Last evaluated: 2022-06-13. Review status: criteria provided, single submitter. Criteria: Invitae Variant Classification Sherloc (09022015). Collection method: clinical testing. Allele origin: germline.
Comment: This sequence change replaces proline, which is neutral and non-polar, with leucine, which is neutral and non-polar, at codon 287 of the GABBR2 protein (p.Pro287Leu). This variant is not present in population databases (gnomAD no frequency). This variant has not been reported in the literature in individuals affected with GABBR2-related conditions. Algorithms developed to predict the effect of missense changes on protein structure and function (SIFT, PolyPhen-2, Align-GVGD) all suggest that this variant is likely to be tolerated. In summary, the available evidence is currently insufficient to determine the role of this variant in disease. Therefore, it has been classified as a Variant of Uncertain Significance.